The following is an entry in ClinVar:

ClinVar aggregate classification (germline): Pathogenic (1 of 4 stars; one submission).

Conditions:
Macular corneal dystrophy (MCD). Also called: Macular corneal dystrophy Type I; GROENOUW TYPE II CORNEAL DYSTROPHY. Identifiers: Orphanet 98969, MedGen C1636149, MONDO:0009020, OMIM 217800.

Submission:

Labcorp Genetics (formerly Invitae), Labcorp
Classification: Pathogenic for Macular corneal dystrophy. Last evaluated: 2023-04-09. Review status: criteria provided, single submitter. Criteria: Invitae Variant Classification Sherloc (09022015). Collection method: clinical testing. Allele origin: germline.
Comment: For these reasons, this variant has been classified as Pathogenic. This variant disrupts a region of the CHST6 protein in which other variant(s) (p.Glu283*) have been determined to be pathogenic (PMID: 32543930). This suggests that this is a clinically significant region of the protein, and that variants that disrupt it are likely to be disease-causing. This premature translational stop signal has been observed in individual(s) with macular corneal dystrophy (PMID: 16207214). Information on the frequency of this variant in the gnomAD database is not available, as this variant may be reported differently in the database. This sequence change creates a premature translational stop signal (p.Trp2*) in the CHST6 gene. While this is not anticipated to result in nonsense mediated decay, it is expected to disrupt the last 394 amino acid(s) of the CHST6 protein.

Literature cited by the submitters: PubMed 32543930; PubMed 16207214.

NM_021615.5(CHST6):c.6_7delinsAA (p.Trp2_Leu3delinsTer)

Gene: CHST6 (carbohydrate sulfotransferase 6; minus strand). Cytogenetic location: 16q23.1.
Variant type: Indel.
Coding change: c.6_7delinsAA on transcript NM_021615.5 (MANE Select); coding-DNA positions 6 to 7, GC replaced by AA.
Protein change: p.Trp2_Leu3delinsTer.
Molecular consequence: nonsense.
Genome position (GRCh38, 1-based): chr16:75,479,822-75,479,823, GC replaced by TT on the plus strand (GC replaced by AA on the coding strand, the reverse complement: CHST6 is on the minus strand). VCF-style: chr16-75479822-GC-TT. GRCh37 (hg19) VCF-style: chr16-75513720-GC-TT.
Identifiers: ClinVar variation 2736374 (VCV002736374.3), dbSNP rs2507253239, ClinGen allele CA2695223749.